The following is an entry in ClinVar:

NM_001365536.1(SCN9A):c.1712C>T (p.Ala571Val)

Genes: SCN9A (sodium voltage-gated channel alpha subunit 9; minus strand), SCN1A-AS1 (SCN1A and SCN9A antisense RNA 1; plus strand). Cytogenetic location: 2q24.3.
Variant type: single nucleotide variant.
Coding change: c.1712C>T on transcript NM_001365536.1 (MANE Select); coding-DNA position 1712, C replaced by T.
Protein change: p.Ala571Val; replaces alanine 571 with valine.
Molecular consequence: missense variant.
Genome position (GRCh38, 1-based): chr2:166,284,715, G>A on the plus strand (C>T on the coding strand, the complement: SCN9A is on the minus strand). VCF-style: chr2-166284715-G-A. GRCh37 (hg19) VCF-style: chr2-167141225-G-A.
Other names: c.1712C>T, p.Ala571Val (NM_002977.4); short protein forms A571V.
Identifiers: ClinVar variation 2950481 (VCV002950481.3), dbSNP rs2468034139, ClinGen allele CA349083717.
Genomic context (GRCh38, chr2:166,284,715, plus strand): 5'-GGCACAAACAGTGAGCCCCTTCTGCTCTCATTGTCTCCAAAAATGCTGTGCTCATCATCG[G>A]CAAATTCAGTCTCAGATCCTATATCTCTTCCTCTGCCTTTGAAACTAAAAAGACTTGTTC-3'
Protein context (NP_001352465.1, residues 561-581): GRDIGSETEF[Ala571Val]DDEHSIFGDN

ClinVar aggregate classification (germline): Uncertain significance (1 of 4 stars; one submission).

Conditions:
Neuropathy, hereditary sensory and autonomic, type 2A (HSAN2A). Also called: ACROOSTEOLYSIS, GIACCAI TYPE; ACROOSTEOLYSIS, NEUROGENIC; MORVAN DISEASE; NEUROPATHY, CONGENITAL SENSORY; NEUROPATHY, HEREDITARY SENSORY RADICULAR, AUTOSOMAL RECESSIVE; NEUROPATHY, HEREDITARY SENSORY, TYPE IIA. Identifiers: Orphanet 970, MedGen C2752089, MONDO:0024309, OMIM 201300.
Generalized epilepsy with febrile seizures plus, type 7 (GEFSP7). Also called: GEFS+, TYPE 7. Identifiers: Orphanet 36387, MedGen C2751778, MONDO:0013470, OMIM 613863.

Submission:

Labcorp Genetics (formerly Invitae), Labcorp
Classification: Uncertain significance for Neuropathy, hereditary sensory and autonomic, type 2A; Generalized epilepsy with febrile seizures plus, type 7. Last evaluated: 2023-08-08. Review status: criteria provided, single submitter. Criteria: Invitae Variant Classification Sherloc (09022015). Collection method: clinical testing. Allele origin: germline.
Comment: This sequence change replaces alanine, which is neutral and non-polar, with valine, which is neutral and non-polar, at codon 571 of the SCN9A protein (p.Ala571Val). In summary, the available evidence is currently insufficient to determine the role of this variant in disease. Therefore, it has been classified as a Variant of Uncertain Significance. Advanced modeling of protein sequence and biophysical properties (such as structural, functional, and spatial information, amino acid conservation, physicochemical variation, residue mobility, and thermodynamic stability) performed at Invitae indicates that this missense variant is not expected to disrupt SCN9A protein function. This variant has not been reported in the literature in individuals affected with SCN9A-related conditions. This variant is not present in population databases (gnomAD no frequency).